The following is an entry in ClinVar:

ClinVar aggregate classification (germline): Pathogenic (1 of 4 stars; one submission).

Submission:

GeneDx
Classification: Pathogenic. Last evaluated: 2025-04-17. Review status: criteria provided, single submitter. Criteria: GeneDx Variant Classification Process June 2021. Collection method: clinical testing. Allele origin: germline. Affected: yes.
Comment: Canonical splice site variant predicted to result in a null allele in a gene for which loss of function is a known mechanism of disease; Not observed at significant frequency in large population cohorts (gnomAD); Has not been previously published as pathogenic or benign to our knowledge

NM_003722.5(TP63):c.883-1G>A

Gene: TP63 (tumor protein p63; plus strand). Cytogenetic location: 3q28.
Variant type: single nucleotide variant.
Coding change: c.883-1G>A on transcript NM_003722.5 (MANE Select); the canonical splice acceptor site of the intron before coding-DNA position 883, G replaced by A.
Molecular consequence: splice acceptor variant.
Genome position (GRCh38, 1-based): chr3:189,867,832, G>A. VCF-style: chr3-189867832-G-A. GRCh37 (hg19) VCF-style: chr3-189585621-G-A.
Other names: c.877-1G>A (NM_001329964.2); c.883-1G>A (NM_001114978.2, NM_001329144.2, NM_001329148.2 and 1 more transcripts); c.601-1G>A (NM_001114980.2, NM_001114981.2, NM_001329145.2 and 2 more transcripts); c.346-1G>A (NM_001329146.2, NM_001329150.2).
Identifiers: ClinVar variation 4281850 (VCV004281850.1).